The following is an entry in ClinVar:

ClinVar aggregate classification (germline): Pathogenic (1 of 4 stars; one submission).

Submission:

Labcorp Genetics (formerly Invitae), Labcorp
Classification: Pathogenic. Last evaluated: 2019-07-23. Review status: criteria provided, single submitter. Criteria: Invitae Variant Classification Sherloc (09022015). Collection method: clinical testing. Allele origin: germline.
Comment: This variant is an out-of-frame deletion of the genomic region encompassing exons 32-33 of the EYS gene. This is expected to create a premature translational stop signal and result in an absent or disrupted protein product. A similar deletion of exons 32-33 has been observed to segregate with retinitis pigmentosa in a family (PMID: 20333770). Loss-of-function variants in EYS are known to be pathogenic (PMID: 18836446, 20333770). For these reasons, this variant has been classified as Pathogenic.

Literature cited by the submitters: PubMed 20333770.

NC_000006.12:g.(?_64066328)_(64082012_?)del

Gene: EYS (eyes shut homolog; minus strand). Cytogenetic location: 6q12.
Variant type: Deletion.
Identifiers: ClinVar variation 831989 (VCV000831989.1).